The following is an entry in ClinVar:

ClinVar aggregate classification (germline): Uncertain significance (1 of 4 stars; one submission).

Conditions:
Primary dilated cardiomyopathy (DCM). Also called: Dilated Cardiomyopathy. Identifiers: Orphanet 217604, MedGen C0007193, MeSH D002311, MONDO:0005021, HP:0001644. Inheritance: Various modes of inheritance.

gnomAD v4.1: 12 of 1,614,104 alleles (0.00074%); highest among the groups gnomAD compares: South Asian, 0.0099%; 1 homozygote.

Submission:

Labcorp Genetics (formerly Invitae), Labcorp
Classification: Uncertain significance for Primary dilated cardiomyopathy. Last evaluated: 2026-01-16. Review status: criteria provided, single submitter. Criteria: Invitae Variant Classification Sherloc (09022015). Collection method: clinical testing. Allele origin: germline.
Comment: This sequence change falls in intron 6 of the TXNRD2 gene. It does not directly change the encoded amino acid sequence of the TXNRD2 protein. It affects a nucleotide within the consensus splice site. This variant is present in population databases (rs770138786, gnomAD 0.02%). This variant has not been reported in the literature in individuals affected with TXNRD2-related conditions. Variants that disrupt the consensus splice site are a relatively common cause of aberrant splicing (PMID: 17576681, 9536098). Algorithms developed to predict the effect of sequence changes on RNA splicing suggest that this variant is not likely to affect RNA splicing. In summary, the available evidence is currently insufficient to determine the role of this variant in disease. Therefore, it has been classified as a Variant of Uncertain Significance.

Literature cited by the submitters: PubMed 17576681; PubMed 9536098.

NM_006440.5(TXNRD2):c.528+6C>T

Gene: TXNRD2 (thioredoxin reductase 2; minus strand). Cytogenetic location: 22q11.21.
Variant type: single nucleotide variant.
Coding change: c.528+6C>T on transcript NM_006440.5 (MANE Select); 6 bases into the intron after coding-DNA position 528, C replaced by T.
Molecular consequence: intron variant.
Genome position (GRCh38, 1-based): chr22:19,915,759, G>A on the plus strand (C>T on the coding strand, the complement: TXNRD2 is on the minus strand). VCF-style: chr22-19915759-G-A. GRCh37 (hg19) VCF-style: chr22-19903282-G-A.
Other names: c.525+6C>T (NM_001352300.2); c.240+6C>T (NM_001352302.2); c.438+6C>T (NM_001352301.2); c.528+6C>T (NM_001282512.3); c.432+6C>T (NM_001352303.2).
Identifiers: ClinVar variation 4739421 (VCV004739421.1).